The following is an entry in ClinVar:

ClinVar aggregate classification (germline): Pathogenic/Likely pathogenic. Review status: criteria provided, multiple submitters, no conflicts (2 of 4 stars). 4 submissions from 4 submitters: Pathogenic (1); Likely pathogenic (2). 1 of the submissions does not count toward it. Last evaluated 2026-02-13.

Conditions:
Familial dysautonomia. Also called: FD; HSAN III. Identifiers: Orphanet 1764, MedGen C0013364, MONDO:0009131, OMIM 223900. Disease mechanism: loss of function.
ELP1-related disorder. Also called: ELP1-related condition.

Allele frequency attached by ClinVar (database versions not stated): ExAC 0.00001; gnomAD 0.00001.
gnomAD v4.1: 12 of 1,613,884 alleles (0.00074%); highest among the groups gnomAD compares: East Asian, 0.013%; no homozygotes.

Submissions (4):

PreventionGenetics, part of Exact Sciences
Classification: Likely pathogenic for ELP1-related condition. Last evaluated: 2026-02-13. Review status: criteria provided, single submitter. Criteria: ACMG Guidelines, 2015. Collection method: clinical testing. Allele origin: germline.
Comment: The ELP1 c.79C>T variant is predicted to result in premature protein termination (p.Arg27*). This variant has been reported as a somatic change in a medulloblastoma tumor specimen (Guerrini-Rousseau et al. 2024. PubMed ID: 38962751) but to our knowledge has not been reported in the germline in individuals with familial dysautonomia. This variant is reported in 0.00088% of alleles in individuals of European (Non-Finnish) descent in gnomAD. Nonsense variants in ELP1 are expected to be pathogenic. This variant is interpreted as likely pathogenic.

Labcorp Genetics (formerly Invitae), Labcorp
Classification: Pathogenic. Last evaluated: 2026-01-11. Review status: criteria provided, single submitter. Criteria: Invitae Variant Classification Sherloc (09022015). Collection method: clinical testing. Allele origin: germline.
Comment: This sequence change creates a premature translational stop signal (p.Arg27*) in the ELP1 gene. It is expected to result in an absent or disrupted protein product. Loss-of-function variants in ELP1 are known to be pathogenic (PMID: 18303054, 24173031). This variant is present in population databases (no rsID available, gnomAD 0.003%). This variant has not been reported in the literature in individuals affected with ELP1-related conditions. ClinVar contains an entry for this variant (Variation ID: 552197). Algorithms developed to predict the effect of sequence changes on RNA splicing suggest that this variant may disrupt the consensus splice site. For these reasons, this variant has been classified as Pathogenic.

Natera, Inc.
Classification: Likely pathogenic for Familial dysautonomia. Last evaluated: 2025-06-04. Review status: criteria provided, single submitter. Criteria: Natera Variant Classification Schema (03/2026). Collection method: clinical testing. Allele origin: germline.
Comment: The c.79C>T variant in ELP1 is a nonsense variant predicted to introduce a stop codon at amino acid 27. This variant is expected to result in nonsense mediated decay, truncation, or a dysfunctional protein product. This variant is rare in the general population with a frequency below the threshold expected for the associated phenotype(s). Given the available evidence, this variant is classified as Likely Pathogenic.

Counsyl
Classification: Likely pathogenic for Familial dysautonomia. Last evaluated: 2017-05-25. Review status: no assertion criteria provided. Collection method: clinical testing. Allele origin: unknown. Not counted in ClinVar's aggregate classification.

Literature cited by the submitters: PubMed 18303054 (cited by Labcorp Genetics (formerly Invitae), Labcorp); PubMed 24173031 (cited by Labcorp Genetics (formerly Invitae), Labcorp).

NM_003640.5(ELP1):c.79C>T (p.Arg27Ter)

Gene: ELP1 (elongator acetyltransferase complex subunit 1; minus strand). Cytogenetic location: 9q31.3.
Variant type: single nucleotide variant.
Coding change: c.79C>T on transcript NM_003640.5 (MANE Select); coding-DNA position 79, C replaced by T.
Protein change: p.Arg27Ter; replaces arginine 27 with a stop codon.
Molecular consequence: nonsense. On other transcripts: 5 prime UTR variant (1), intron variant (1).
Genome position (GRCh38, 1-based): chr9:108,931,068, G>A on the plus strand (C>T on the coding strand, the complement: ELP1 is on the minus strand). VCF-style: chr9-108931068-G-A. GRCh37 (hg19) VCF-style: chr9-111693348-G-A.
Other names: c.-781C>T (NM_001330749.2); c.-252-12C>T (NM_001318360.2); c.79C>T (LRG_251t1, NM_003640.4); short protein forms R27*.
Identifiers: ClinVar variation 552197 (VCV000552197.9), dbSNP rs868073099, ClinGen allele CA5175472.